The following is an entry in ClinVar:

NM_001845.6(COL4A1):c.4641G>T (p.Arg1547Ser)

Gene: COL4A1 (collagen type IV alpha 1 chain; minus strand). Cytogenetic location: 13q34.
Variant type: single nucleotide variant.
Coding change: c.4641G>T on transcript NM_001845.6 (MANE Select); coding-DNA position 4641, G replaced by T.
Protein change: p.Arg1547Ser; replaces arginine 1547 with serine.
Molecular consequence: missense variant.
Genome position (GRCh38, 1-based): chr13:110,155,397, C>A on the plus strand (G>T on the coding strand, the complement: COL4A1 is on the minus strand). VCF-style: chr13-110155397-C-A. GRCh37 (hg19) VCF-style: chr13-110807744-C-A.
Other names: short protein forms R1547S.
Identifiers: ClinVar variation 4775117 (VCV004775117.1).

ClinVar aggregate classification (germline): Uncertain significance (1 of 4 stars; one submission).

gnomAD v4.1: 2 of 1,612,492 alleles (0.00012%); highest among the groups gnomAD compares: Non-Finnish European, 0.00017%; no homozygotes.

Submission:

Labcorp Genetics (formerly Invitae), Labcorp
Classification: Uncertain significance. Last evaluated: 2025-12-01. Review status: criteria provided, single submitter. Criteria: Invitae Variant Classification Sherloc (09022015). Collection method: clinical testing. Allele origin: germline.
Comment: This sequence change replaces arginine, which is basic and polar, with serine, which is neutral and polar, at codon 1547 of the COL4A1 protein (p.Arg1547Ser). This variant is not present in population databases (gnomAD no frequency). This variant has not been reported in the literature in individuals affected with COL4A1-related conditions. Experimental studies and prediction algorithms are not available or were not evaluated, and the functional significance of this variant is currently unknown. In summary, the available evidence is currently insufficient to determine the role of this variant in disease. Therefore, it has been classified as a Variant of Uncertain Significance.